The following is an entry in ClinVar:

NM_001110556.2(FLNA):c.5587G>A (p.Val1863Ile)

Gene: FLNA (filamin A; minus strand). Cytogenetic location: Xq28.
Variant type: single nucleotide variant.
Coding change: c.5587G>A on transcript NM_001110556.2 (MANE Select); coding-DNA position 5587, G replaced by A.
Protein change: p.Val1863Ile; replaces valine 1863 with isoleucine.
Molecular consequence: missense variant.
Genome position (GRCh38, 1-based): chrX:154,354,014, C>T on the plus strand (G>A on the coding strand, the complement: FLNA is on the minus strand). VCF-style: chrX-154354014-C-T. GRCh37 (hg19) VCF-style: chrX-153582382-C-T.
Other names: p.V1855I:GTC>ATC; c.5563G>A, p.Val1855Ile (NM_001456.4); short protein forms V1855I, V1863I.
Identifiers: ClinVar variation 213478 (VCV000213478.7), dbSNP rs781809353, ClinGen allele CA322914.

ClinVar aggregate classification (germline): Conflicting classifications of pathogenicity. Review status: criteria provided, conflicting classifications (1 of 4 stars). 2 submissions from 2 submitters: Uncertain significance (1); Benign (1). Last evaluated 2025-02-12.

Conditions:
Oto-palato-digital syndrome, type II (OPD2). Also called: Otopalatodigital Syndrome, Type II; FACIOPALATOOSSEOUS SYNDROME; OPD II SYNDROME; Otopalatodigital Syndrome Type 2 (FLNA-OPD2). Identifiers: Orphanet 669, Orphanet 90652, MedGen C1844696, MONDO:0010571, OMIM 304120.
Frontometaphyseal dysplasia (FMD1). Identifiers: Orphanet 1826, MedGen C0265293, MONDO:0015942.
Heterotopia, periventricular, X-linked dominant (PVNH1). Also called: PERIVENTRICULAR NODULAR HETEROTOPIA 1; X-linked periventricular heterotopia; PERIVENTRICULAR NODULAR HETEROTOPIA 4; HETEROTOPIA, PERIVENTRICULAR, 1. Identifiers: Orphanet 2149, Orphanet 82004, MedGen C1848213, MONDO:0010233, OMIM 300049.
Melnick-Needles syndrome (MNS). Also called: MELNICK-NEEDLES OSTEODYSPLASTY; OSTEODYSPLASTY OF MELNICK AND NEEDLES; Melnick-Needles Syndrome (FLNA-MNS). Identifiers: Orphanet 2484, MedGen C0025237, MONDO:0010650, OMIM 309350.

Allele frequency attached by ClinVar (database versions not stated): gnomAD exomes below 0.00001 and 0.00001; ExAC 0.00001; TOPMed 0.00001; gnomAD 0.00003.
gnomAD v4.1: 5 of 1,210,677 alleles (0.00041%); highest among the groups gnomAD compares: Admixed American, 0.0022%; no homozygotes.

Submissions (2):

Labcorp Genetics (formerly Invitae), Labcorp
Classification: Benign for Oto-palato-digital syndrome, type II; Heterotopia, periventricular, X-linked dominant; Frontometaphyseal dysplasia; Melnick-Needles syndrome. Last evaluated: 2025-02-12. Review status: criteria provided, single submitter. Criteria: Invitae Variant Classification Sherloc (09022015). Collection method: clinical testing. Allele origin: germline.

GeneDx
Classification: Uncertain significance. Last evaluated: 2014-08-12. Review status: criteria provided, single submitter. Criteria: GeneDx Variant Classification (06012015). Collection method: clinical testing. Allele origin: germline. Affected: yes.
Comment: p.Val1855Ile (GTC>ATC): c.5563 G>A in exon 34 of the FLNA gene (NM_001456.3)A variant of unknown significance has been identified in the FLNA gene. The V1855I variant has not been published as a mutation or as a benign polymorphism to our knowledge. The V1855I variant was not observed in approximately 6,300 individuals of European and African American ancestry in the NHLBI Exome Sequencing Project, indicating it is not a common benign variant in these populations. In addition, this substitution occurs at a position that is conserved in mammals. In silico analysis is inconsistent in its predictions as to whether or not the variant is damaging to the protein structure/function. However, the V1855I variant is a conservative amino acid substitution, which is not likely to impact secondary protein structure as these residues share similar properties. No missense mutations in nearby residues have been reported in association with disease, indicating this region of the protein is tolerant of change.Therefore, based on the currently available information, it is unclear whether this variant is a pathogenic mutation or a rare benign variant. This variant was found in TAAD